The following is an entry in ClinVar:

NM_001242896.3(DEPDC5):c.2977T>A (p.Leu993Met)

Gene: DEPDC5 (DEP domain containing 5, GATOR1 subcomplex subunit; plus strand). Cytogenetic location: 22q12.3.
Variant type: single nucleotide variant.
Coding change: c.2977T>A on transcript NM_001242896.3 (MANE Select); coding-DNA position 2977, T replaced by A.
Protein change: p.Leu993Met; replaces leucine 993 with methionine.
Molecular consequence: missense variant. On other transcripts: non-coding transcript variant (5).
Genome position (GRCh38, 1-based): chr22:31,845,193, T>A. VCF-style: chr22-31845193-T-A. GRCh37 (hg19) VCF-style: chr22-32241179-T-A.
Other names: c.2950T>A, p.Leu984Met (NM_001136029.4, NM_001369903.1, NM_014662.6); c.2743T>A, p.Leu915Met (NM_001242897.2, NM_001363854.2, NM_001364319.2); c.2977T>A, p.Leu993Met (NM_001363852.2, NM_001364318.2, NM_001364320.2); c.2893T>A, p.Leu965Met (NM_001369901.1, NM_001369902.1); short protein forms L915M, L965M, L984M, L993M.
Identifiers: ClinVar variation 1704005 (VCV001704005.2), dbSNP rs2520191399, ClinGen allele CA411291401.

ClinVar aggregate classification (germline): Uncertain significance (1 of 4 stars; one submission).

Submission:

GeneDx
Classification: Uncertain significance. Last evaluated: 2022-03-01. Review status: criteria provided, single submitter. Criteria: GeneDx Variant Classification Process June 2021. Collection method: clinical testing. Allele origin: germline. Affected: yes.
Comment: Not observed at significant frequency in large population cohorts (gnomAD); In silico analysis supports that this missense variant does not alter protein structure/function; Has not been previously published as pathogenic or benign to our knowledge